The following is an entry in ClinVar:

NM_000465.4(BARD1):c.667G>C (p.Glu223Gln)

Gene: BARD1 (BRCA1 associated RING domain 1; minus strand). Cytogenetic location: 2q35.
Variant type: single nucleotide variant.
Coding change: c.667G>C on transcript NM_000465.4 (MANE Select); coding-DNA position 667, G replaced by C.
Protein change: p.Glu223Gln; replaces glutamic acid 223 with glutamine.
Molecular consequence: missense variant. On other transcripts: non-coding transcript variant (2), intron variant (3).
Genome position (GRCh38, 1-based): chr2:214,781,207, C>G on the plus strand (G>C on the coding strand, the complement: BARD1 is on the minus strand). VCF-style: chr2-214781207-C-G. GRCh37 (hg19) VCF-style: chr2-215645931-C-G.
Other names: c.610G>C, p.Glu204Gln (NM_001282543.2); c.158+28205G>C (NM_001282548.2); c.215+15854G>C (NM_001282545.2); c.364+11090G>C (NM_001282549.2); short protein forms E223Q, E204Q.
Identifiers: ClinVar variation 965449 (VCV000965449.10), dbSNP rs1695004426, ClinGen allele CA350456509.

ClinVar aggregate classification (germline): Uncertain significance (1 of 4 stars; one submission).

Conditions:
Familial cancer of breast. Also called: Hereditary breast cancer; BREAST CANCER, FAMILIAL; hereditary breast carcinoma. Identifiers: Orphanet 227535, MedGen C0346153, MONDO:0016419, OMIM 114480. Disease mechanism: loss of function.

Submission:

Labcorp Genetics (formerly Invitae), Labcorp
Classification: Uncertain significance for Familial cancer of breast. Last evaluated: 2019-10-13. Review status: criteria provided, single submitter. Criteria: Invitae Variant Classification Sherloc (09022015). Collection method: clinical testing. Allele origin: germline.
Comment: This sequence change replaces glutamic acid with glutamine at codon 223 of the BARD1 protein (p.Glu223Gln). The glutamic acid residue is moderately conserved and there is a small physicochemical difference between glutamic acid and glutamine. This variant is not present in population databases (ExAC no frequency). This variant has not been reported in the literature in individuals with BARD1-related conditions. Algorithms developed to predict the effect of missense changes on protein structure and function (SIFT, PolyPhen-2, Align-GVGD) all suggest that this variant is likely to be tolerated, but these predictions have not been confirmed by published functional studies and their clinical significance is uncertain. In summary, the available evidence is currently insufficient to determine the role of this variant in disease. Therefore, it has been classified as a Variant of Uncertain Significance.